The following is an entry in ClinVar:

NM_001035.3(RYR2):c.8831-9A>G

Gene: RYR2 (ryanodine receptor 2; plus strand). Cytogenetic location: 1q43.
Variant type: single nucleotide variant.
Coding change: c.8831-9A>G on transcript NM_001035.3 (MANE Select); 9 bases into the intron before coding-DNA position 8831, A replaced by G.
Molecular consequence: intron variant.
Genome position (GRCh38, 1-based): chr1:237,678,039, A>G. VCF-style: chr1-237678039-A-G. GRCh37 (hg19) VCF-style: chr1-237841339-A-G.
Identifiers: ClinVar variation 1315604 (VCV001315604.2), dbSNP rs187977513, ClinGen allele CA2573051531.

ClinVar aggregate classification (germline): Uncertain significance (1 of 4 stars; one submission).

gnomAD v4.1: 1 of 1,584,326 alleles (0.000063%); highest among the groups gnomAD compares: Non-Finnish European, 0.000087%; no homozygotes.

Submission:

GeneDx
Classification: Uncertain significance. Last evaluated: 2019-08-23. Review status: criteria provided, single submitter. Criteria: GeneDx Variant Classification Process June 2021. Collection method: clinical testing. Allele origin: germline. Affected: yes.
Comment: Has not been previously published as pathogenic or benign to our knowledge; Not observed in large population cohorts (Lek et al., 2016); In-silico analysis, which includes splice predictors and evolutionary conservation, is inconclusive as to whether the variant alters gene splicing. In the absence of RNA/functional studies, the actual effect of this sequence change is unknown.